The following is an entry in ClinVar:

ClinVar aggregate classification (germline): Uncertain significance (1 of 4 stars; one submission).

Conditions:
Duchenne muscular dystrophy (DMD). Also called: MUSCULAR DYSTROPHY, PSEUDOHYPERTROPHIC PROGRESSIVE, DUCHENNE TYPE; Duchenne Muscular Dystrophy (DMD). Identifiers: Orphanet 98896, MedGen C0013264, MONDO:0010679, OMIM 310200.

Allele frequency attached by ClinVar (database versions not stated): TOPMed below 0.00001.

Submission:

Labcorp Genetics (formerly Invitae), Labcorp
Classification: Uncertain significance for Duchenne muscular dystrophy. Last evaluated: 2025-11-09. Review status: criteria provided, single submitter. Criteria: Invitae Variant Classification Sherloc (09022015). Collection method: clinical testing. Allele origin: germline.
Comment: This sequence change replaces serine, which is neutral and polar, with alanine, which is neutral and non-polar, at codon 1777 of the DMD protein (p.Ser1777Ala). This variant is not present in population databases (gnomAD no frequency). This variant has not been reported in the literature in individuals affected with DMD-related conditions. ClinVar contains an entry for this variant (Variation ID: 1431572). Invitae Evidence Modeling of protein sequence and biophysical properties (such as structural, functional, and spatial information, amino acid conservation, physicochemical variation, residue mobility, and thermodynamic stability) indicates that this missense variant is not expected to disrupt DMD protein function with a negative predictive value of 95%. In summary, the available evidence is currently insufficient to determine the role of this variant in disease. Therefore, it has been classified as a Variant of Uncertain Significance.

NM_004006.3(DMD):c.5329T>G (p.Ser1777Ala)

Gene: DMD (dystrophin; minus strand). Cytogenetic location: Xp21.1.
Variant type: single nucleotide variant.
Coding change: c.5329T>G on transcript NM_004006.3 (MANE Select); coding-DNA position 5329, T replaced by G.
Protein change: p.Ser1777Ala; replaces serine 1777 with alanine.
Molecular consequence: missense variant.
Genome position (GRCh38, 1-based): chrX:32,348,525, A>C on the plus strand (T>G on the coding strand, the complement: DMD is on the minus strand). VCF-style: chrX-32348525-A-C. GRCh37 (hg19) VCF-style: chrX-32366642-A-C.
Other names: c.5305T>G, p.Ser1769Ala (NM_000109.4); c.5317T>G, p.Ser1773Ala (NM_004009.3); c.4960T>G, p.Ser1654Ala (NM_004010.3); c.1306T>G, p.Ser436Ala (NM_004011.4); c.1297T>G, p.Ser433Ala (NM_004012.4); short protein forms S1654A, S436A, S1773A, S1769A, S1777A, S433A.
Identifiers: ClinVar variation 1431572 (VCV001431572.7), dbSNP rs2097771512, ClinGen allele CA412668155.